The following is an entry in ClinVar:

NM_006147.4(IRF6):c.379+4_379+15del

Gene: IRF6 (interferon regulatory factor 6; minus strand). Cytogenetic location: 1q32.2.
Variant type: Deletion.
Coding change: c.379+4_379+15del on transcript NM_006147.4 (MANE Select); bases 4 to 15 of the intron after coding-DNA position 379, 12 bases deleted (AGGCCCCAGGTG).
Molecular consequence: splice donor variant.
Genome position (GRCh38, 1-based): chr1:209,796,333-209,796,344, CACCTGGGGCCT deleted on the plus strand (AGGCCCCAGGTG on the coding strand, the reverse complement: IRF6 is on the minus strand); deleting any 12 consecutive bases within chr1:209,796,333-209,796,352 gives the same sequence; the c. name uses the placement nearest the transcript's 3' end. VCF-style (leftmost placement, unchanged base first): chr1-209796332-GCACCTGGGGCCT-G. GRCh37 (hg19) VCF-style: chr1-209969677-GCACCTGGGGCCT-G.
Other names: c.94+4_94+15del (NM_001206696.2).
Identifiers: ClinVar variation 4538520 (VCV004538520.1).

ClinVar aggregate classification (germline): Uncertain significance (1 of 4 stars; one submission).

Conditions:
Van der Woude syndrome. Identifiers: Orphanet 888, MedGen C0175697, MONDO:0019508.

Submission:

Genetics Laboratory, Great Ormond Street Hospital NHS Foundation Trust, North Thames Genomic Laboratory Hub
Classification: Uncertain significance for Van der Woude syndrome. Last evaluated: 2025-10-21. Review status: criteria provided, single submitter. Criteria: ACGS Best Practice Guidelines for Variant Classification in Rare Disease 2024 v1.2. Collection method: clinical testing. Allele origin: germline. Affected: yes.
Comment: PS4_supporting, PM2_moderate, PP3_supporting, PP4_supporting